The following is an entry in ClinVar:

ClinVar aggregate classification (germline): Uncertain significance (1 of 4 stars; one submission).

Conditions:
Hereditary cancer-predisposing syndrome. Also called: Hereditary Cancer Syndrome; Hereditary neoplastic syndrome; Tumor predisposition; Neoplastic Syndromes, Hereditary. Identifiers: Orphanet 140162, MedGen C0027672, MeSH D009386, MONDO:0015356.

gnomAD v4.1: 1 of 1,613,808 alleles (0.000062%); highest among the groups gnomAD compares: Non-Finnish European, 0.000085%; no homozygotes.

Submission:

Ambry Genetics
Classification: Uncertain significance for Hereditary cancer-predisposing syndrome. Last evaluated: 2022-05-26. Review status: criteria provided, single submitter. Criteria: Ambry Variant Classification Scheme 2023. Collection method: clinical testing. Allele origin: germline.
Comment: The p.M793K variant (also known as c.2378T>A), located in coding exon 9 of the MET gene, results from a T to A substitution at nucleotide position 2378. The methionine at codon 793 is replaced by lysine, an amino acid with similar properties. This amino acid position is conserved. In addition, the in silico prediction for this alteration is inconclusive. Since supporting evidence is limited at this time, the clinical significance of this alteration remains unclear.

NM_000245.4(MET):c.2324T>A (p.Met775Lys)

Gene: MET (MET proto-oncogene, receptor tyrosine kinase; plus strand). Cytogenetic location: 7q31.2.
Variant type: single nucleotide variant.
Coding change: c.2324T>A on transcript NM_000245.4 (MANE Select); coding-DNA position 2324, T replaced by A.
Protein change: p.Met775Lys; replaces methionine 775 with lysine.
Molecular consequence: missense variant.
Genome position (GRCh38, 1-based): chr7:116,759,450, T>A. VCF-style: chr7-116759450-T-A. GRCh37 (hg19) VCF-style: chr7-116399504-T-A.
Other names: c.2378T>A, p.Met793Lys (NM_001127500.3); c.2324T>A, p.Met775Lys (NM_001324401.3); c.1034T>A, p.Met345Lys (NM_001324402.2); short protein forms M345K, M793K, M775K.
Identifiers: ClinVar variation 1790390 (VCV001790390.2), dbSNP rs2485726781, ClinGen allele CA368982365.
Genomic context (GRCh38, chr7:116,759,450, plus strand): 5'-GTGGTGGGAGCACAATAACAGGTGTTGGGAAAAACCTGAATTCAGTTAGTGTCCCGAGAA[T>A]GGTCATAAATGTGCATGAAGCAGGAAGGAACTTTACAGTGGTAAGTCCTTTGAGCAATGG-3'
Protein context (NP_000236.2, residues 765-785): KNLNSVSVPR[Met775Lys]VINVHEAGRN